The following is an entry in ClinVar:

NM_198999.3(SLC26A5):c.864G>A (p.Ala288=)

Gene: SLC26A5 (solute carrier family 26 member 5; minus strand). Cytogenetic location: 7q22.1.
Variant type: single nucleotide variant.
Coding change: c.864G>A on transcript NM_198999.3 (MANE Select); coding-DNA position 864, G replaced by A.
Protein change: p.Ala288=; no amino-acid change (alanine 288 retained).
Molecular consequence: synonymous variant. On other transcripts: non-coding transcript variant (5).
Genome position (GRCh38, 1-based): chr7:103,407,875, C>T on the plus strand (G>A on the coding strand, the complement: SLC26A5 is on the minus strand). VCF-style: chr7-103407875-C-T. GRCh37 (hg19) VCF-style: chr7-103048322-C-T.
Other names: c.864G>A, p.Ala288= (NM_001167962.2, NM_001321787.2, NM_206883.3 and 2 more transcripts).
Identifiers: ClinVar variation 682174 (VCV000682174.7), dbSNP rs556341162, ClinGen allele CA4419681.

ClinVar aggregate classification (germline): Likely benign. Review status: criteria provided, multiple submitters, no conflicts (2 of 4 stars). 3 submissions from 3 submitters: Likely benign (3). Last evaluated 2024-05-22.

Allele frequency attached by ClinVar (database versions not stated): gnomAD exomes 0.00002; gnomAD 0.00013; 1000 Genomes Project 0.00020; TOPMed 0.00029; 1000 Genomes Project 30x 0.00031.
gnomAD v4.1: 61 of 1,614,058 alleles (0.0038%); highest among the groups gnomAD compares: Admixed American, 0.025%; no homozygotes.

Submissions (3):

Blueprint Genetics
Classification: Likely benign. Last evaluated: 2024-05-22. Review status: criteria provided, single submitter. Criteria: ACMG Guidelines, 2015. Collection method: clinical testing. Allele origin: germline.

Labcorp Genetics (formerly Invitae), Labcorp
Classification: Likely benign. Last evaluated: 2024-05-06. Review status: criteria provided, single submitter. Criteria: Invitae Variant Classification Sherloc (09022015). Collection method: clinical testing. Allele origin: germline.

GeneDx
Classification: Likely benign. Last evaluated: 2018-04-26. Review status: criteria provided, single submitter. Criteria: GeneDx Variant Classification (06012015). Collection method: clinical testing. Allele origin: germline. Affected: yes.
Comment: This variant is considered likely benign or benign based on one or more of the following criteria: it is a conservative change, it occurs at a poorly conserved position in the protein, it is predicted to be benign by multiple in silico algorithms, and/or has population frequency not consistent with disease.